The following is an entry in ClinVar:

NM_001375765.1(GIGYF1):c.1810C>T (p.Gln604Ter)

Gene: GIGYF1 (GRB10 interacting GYF protein 1; minus strand). Cytogenetic location: 7q22.1.
Variant type: single nucleotide variant.
Coding change: c.1810C>T on transcript NM_001375765.1 (MANE Select); coding-DNA position 1810, C replaced by T.
Protein change: p.Gln604Ter; replaces glutamine 604 with a stop codon.
Molecular consequence: nonsense. On other transcripts: non-coding transcript variant (1).
Genome position (GRCh38, 1-based): chr7:100,684,078, G>A on the plus strand (C>T on the coding strand, the complement: GIGYF1 is on the minus strand). VCF-style: chr7-100684078-G-A. GRCh37 (hg19) VCF-style: chr7-100281701-G-A.
Other names: NM_022574.4:c.1810C>T; c.1810C>T, p.Gln604Ter (NM_001375759.1, NM_001375760.1, NM_001375761.1 and 6 more transcripts); short protein forms Q604*.
Identifiers: ClinVar variation 2533930 (VCV002533930.2), dbSNP rs2486248744, ClinGen allele CA368536382.

ClinVar aggregate classification (germline): Uncertain significance (1 of 4 stars; one submission).

Allele frequency attached by ClinVar (database versions not stated): gnomAD exomes below 0.00001.
gnomAD v4.1: 1 of 1,607,196 alleles (0.000062%); highest among the groups gnomAD compares: Non-Finnish European, 0.000085%; no homozygotes.

Submission:

Ambry Genetics
Classification: Uncertain significance. Last evaluated: 2023-05-23. Review status: criteria provided, single submitter. Criteria: Ambry Variant Classification Scheme 2023. Collection method: clinical testing. Allele origin: germline.
Comment: The c.1810C>T (p.Q604*) alteration, located in coding exon 15 of the GIGYF1 gene, consists of a C to T substitution at nucleotide position 1810. This changes the amino acid from a glutamine (Q) to a stop codon at amino acid position 604. This alteration is expected to result in premature protein truncation or nonsense-mediated mRNA decay. However, loss of function of GIGYF1 has not been established as a mechanism of disease. This variant was not reported in population-based cohorts in the Genome Aggregation Database (gnomAD). This variant has been reported as a de novo finding in an individual from a neurodevelopmental disorder/autism spectrum disorder cohort (Jiang, 2022). Based on insufficient or conflicting evidence, the clinical significance of this alteration remains unclear.

Literature cited by the submitters: PubMed 28106320; PubMed 34549350.